The following is an entry in ClinVar:

NC_000013.11:g.(?_32315480)_(32355308_?)del

Gene: BRCA2 (BRCA2 DNA repair associated; plus strand). Cytogenetic location: 13q13.1.
Variant type: Deletion.
Identifiers: ClinVar variation 831194 (VCV000831194.8).

ClinVar aggregate classification (germline): Pathogenic (1 of 4 stars; one submission).

Conditions:
Hereditary breast ovarian cancer syndrome. Also called: Hereditary breast and/or ovarian cancer syndrome; Hereditary breast and ovarian cancer syndrome (HBOC); Breast and ovarian cancer; Hereditary breast and ovarian cancer; BRCA1- and BRCA2-Associated Hereditary Breast and Ovarian Cancer; Hereditary breast and ovarian cancer syndrome. Identifiers: Orphanet 145, MedGen C0677776, MeSH D061325, MONDO:0003582. Disease mechanism: loss of function.

Submission:

Labcorp Genetics (formerly Invitae), Labcorp
Classification: Pathogenic for Hereditary breast ovarian cancer syndrome. Last evaluated: 2023-12-03. Review status: criteria provided, single submitter. Criteria: Invitae Variant Classification Sherloc (09022015). Collection method: clinical testing. Allele origin: germline.
Comment: This variant is a gross deletion of the genomic region encompassing exon(s) 1-14 of the BRCA2 gene, which includes the initiator codon. This deletion extends beyond the assayed region for this gene and therefore may encompass additional genes. It is expected to result in an absent or disrupted protein product. Loss-of-function variants in BRCA2 are known to be pathogenic (PMID: 20104584). A similar copy number variant has been observed in individual(s) with breast cancer (PMID: 28680148). For these reasons, this variant has been classified as Pathogenic.

Literature cited by the submitters: PubMed 20104584; PubMed 28680148.